The following is an entry in ClinVar:

ClinVar aggregate classification (germline): Uncertain significance (1 of 4 stars; one submission).

gnomAD v4.1: 4 of 1,612,096 alleles (0.00025%); highest among the groups gnomAD compares: Non-Finnish European, 0.000085%; no homozygotes.

Submission:

CeGaT Center for Human Genetics Tuebingen
Classification: Uncertain significance. Last evaluated: 2026-09-01. Review status: criteria provided, single submitter. Criteria: CeGaT Center For Human Genetics Tuebingen Variant Classification Criteria Version 2. Collection method: clinical testing. Allele origin: germline. Affected: yes. Observed: 1 variant allele.
Comment: PIK3CA: PM2:Supporting

NM_006218.4(PIK3CA):c.1015C>A (p.Leu339Ile)

Gene: PIK3CA (phosphatidylinositol-4,5-bisphosphate 3-kinase catalytic subunit alpha; plus strand). Cytogenetic location: 3q26.32.
Variant type: single nucleotide variant.
Coding change: c.1015C>A on transcript NM_006218.4 (MANE Select); coding-DNA position 1015, C replaced by A.
Protein change: p.Leu339Ile; replaces leucine 339 with isoleucine.
Molecular consequence: missense variant.
Genome position (GRCh38, 1-based): chr3:179,203,745, C>A. VCF-style: chr3-179203745-C-A. GRCh37 (hg19) VCF-style: chr3-178921533-C-A.
Other names: short protein forms L339I.
Identifiers: ClinVar variation 5041404 (VCV005041404.1).